The following is an entry in ClinVar:

ClinVar aggregate classification (germline): Conflicting classifications of pathogenicity. Review status: criteria provided, conflicting classifications (1 of 4 stars). 3 submissions from 3 submitters: Uncertain significance (2); Likely benign (1). Last evaluated 2025-08-30.

Allele frequency attached by ClinVar (database versions not stated): ExAC 0.00001; gnomAD 0.00002; gnomAD exomes 0.00003; TOPMed 0.00005; 1000 Genomes Project 30x 0.00016; 1000 Genomes Project 0.00020.
gnomAD v4.1: 42 of 1,613,668 alleles (0.0026%); highest among the groups gnomAD compares: African/African-American, 0.015%; no homozygotes.

Submissions (3):

Labcorp Genetics (formerly Invitae), Labcorp
Classification: Uncertain significance. Last evaluated: 2025-08-30. Review status: criteria provided, single submitter. Criteria: Invitae Variant Classification Sherloc (09022015). Collection method: clinical testing. Allele origin: germline.
Comment: This sequence change replaces serine, which is neutral and polar, with leucine, which is neutral and non-polar, at codon 200 of the CCDC50 protein (p.Ser200Leu). This variant is present in population databases (rs146653620, gnomAD 0.02%). This variant has not been reported in the literature in individuals affected with CCDC50-related conditions. ClinVar contains an entry for this variant (Variation ID: 674311). An algorithm developed to predict the effect of missense changes on protein structure and function (PolyPhen-2) suggests that this variant is likely to be tolerated. In summary, the available evidence is currently insufficient to determine the role of this variant in disease. Therefore, it has been classified as a Variant of Uncertain Significance.

Ambry Genetics
Classification: Uncertain significance. Last evaluated: 2022-08-26. Review status: criteria provided, single submitter. Criteria: Ambry Variant Classification Scheme 2023. Collection method: clinical testing. Allele origin: germline.

GeneDx
Classification: Likely benign. Last evaluated: 2018-10-30. Review status: criteria provided, single submitter. Criteria: GeneDx Variant Classification (06012015). Collection method: clinical testing. Allele origin: germline. Affected: yes.
Comment: This variant is considered likely benign or benign based on one or more of the following criteria: it is a conservative change, it occurs at a poorly conserved position in the protein, it is predicted to be benign by multiple in silico algorithms, and/or has population frequency not consistent with disease.

NM_178335.3(CCDC50):c.599C>T (p.Ser200Leu)

Gene: CCDC50 (coiled-coil domain containing 50; plus strand). Cytogenetic location: 3q28.
Variant type: single nucleotide variant.
Coding change: c.599C>T on transcript NM_178335.3 (MANE Select); coding-DNA position 599, C replaced by T.
Protein change: p.Ser200Leu; replaces serine 200 with leucine.
Molecular consequence: missense variant. On other transcripts: intron variant (1).
Genome position (GRCh38, 1-based): chr3:191,375,212, C>T. VCF-style: chr3-191375212-C-T. GRCh37 (hg19) VCF-style: chr3-191093001-C-T.
Other names: c.449-4947C>T (NM_174908.4); short protein forms S200L.
Identifiers: ClinVar variation 674311 (VCV000674311.5), dbSNP rs146653620, ClinGen allele CA2755287.